The following is an entry in ClinVar:

ClinVar aggregate classification (germline): Uncertain significance (1 of 4 stars; one submission).

Conditions:
Hereditary cancer-predisposing syndrome. Also called: Neoplastic Syndromes, Hereditary; Tumor predisposition; Hereditary Cancer Syndrome; Hereditary neoplastic syndrome. Identifiers: Orphanet 140162, MedGen C0027672, MeSH D009386, MONDO:0015356.

gnomAD v4.1: 1 of 1,614,260 alleles (0.000062%); highest among the groups gnomAD compares: Non-Finnish European, 0.000085%; no homozygotes.

Submission:

Ambry Genetics
Classification: Uncertain significance for Hereditary cancer-predisposing syndrome. Last evaluated: 2026-03-30. Review status: criteria provided, single submitter. Criteria: Ambry Variant Classification Scheme 2023. Collection method: clinical testing. Allele origin: germline.
Comment: The p.E519Q variant (also known as c.1555G>C), located in coding exon 13 of the EGFR gene, results from a G to C substitution at nucleotide position 1555. The glutamic acid at codon 519 is replaced by glutamine, an amino acid with highly similar properties. This amino acid position is conserved. In addition, this alteration is predicted to be tolerated by in silico analysis. Based on the available evidence, the clinical significance of this variant remains unclear.

NM_005228.5(EGFR):c.1555G>C (p.Glu519Gln)

Gene: EGFR (epidermal growth factor receptor; plus strand). Cytogenetic location: 7p11.2.
Variant type: single nucleotide variant.
Coding change: c.1555G>C on transcript NM_005228.5 (MANE Select); coding-DNA position 1555, G replaced by C.
Protein change: p.Glu519Gln; replaces glutamic acid 519 with glutamine.
Molecular consequence: missense variant.
Genome position (GRCh38, 1-based): chr7:55,161,555, G>C. VCF-style: chr7-55161555-G-C. GRCh37 (hg19) VCF-style: chr7-55229248-G-C.
Other names: c.1420G>C, p.Glu474Gln (NM_001346899.2, NM_001346897.2); c.1396G>C, p.Glu466Gln (NM_001346900.2); c.754G>C, p.Glu252Gln (NM_001346941.2); c.1555G>C, p.Glu519Gln (NM_201282.2, NM_201284.2, NM_001346898.2); short protein forms E252Q, E466Q, E474Q, E519Q.
Identifiers: ClinVar variation 4870225 (VCV004870225.1).